The following is an entry in ClinVar:

NM_000836.4(GRIN2D):c.1870G>C (p.Gly624Arg)

Genes: GRIN2D (glutamate ionotropic receptor NMDA type subunit 2D; plus strand), LOC130064857 (ATAC-STARR-seq lymphoblastoid active region 14894; plus strand). Cytogenetic location: 19q13.33.
Variant type: single nucleotide variant.
Coding change: c.1870G>C on transcript NM_000836.4 (MANE Select); coding-DNA position 1870, G replaced by C.
Protein change: p.Gly624Arg; replaces glycine 624 with arginine.
Molecular consequence: missense variant.
Genome position (GRCh38, 1-based): chr19:48,419,593, G>C. VCF-style: chr19-48419593-G-C. GRCh37 (hg19) VCF-style: chr19-48922850-G-C.
Other names: short protein forms G624R.
Identifiers: ClinVar variation 4886084 (VCV004886084.2).

ClinVar aggregate classification (germline): Uncertain significance (1 of 4 stars; one submission).

gnomAD v4.1: 5 of 1,612,396 alleles (0.00031%); highest among the groups gnomAD compares: Non-Finnish European, 0.00042%; no homozygotes.

Submission:

Dasa
Classification: Uncertain significance. Last evaluated: 2025-09-02. Review status: criteria provided, single submitter. Criteria: DASA Assertion Criteria. Collection method: clinical testing. Allele origin: germline.
Comment: NM_000836.4(GRIN2D):c.1870G>C (p.Gly624Arg) is a missense variant that results in the substitution of glycine with arginine. This variant is rare in population databases. The currently available literature and clinical evidence are not sufficient to establish a definitive association between this variant and the reported condition. Therefore, this variant is classified as a variant of uncertain significance.